The following is an entry in ClinVar:

NM_182760.4(SUMF1):c.278C>G (p.Pro93Arg)

Gene: SUMF1 (sulfatase modifying factor 1; minus strand). Cytogenetic location: 3p26.1.
Variant type: single nucleotide variant.
Coding change: c.278C>G on transcript NM_182760.4 (MANE Select); coding-DNA position 278, C replaced by G.
Protein change: p.Pro93Arg; replaces proline 93 with arginine.
Molecular consequence: missense variant.
Genome position (GRCh38, 1-based): chr3:4,453,042, G>C on the plus strand (C>G on the coding strand, the complement: SUMF1 is on the minus strand). VCF-style: chr3-4453042-G-C. GRCh37 (hg19) VCF-style: chr3-4494726-G-C.
Other names: c.278C>G, p.Pro93Arg (NM_001164674.2, NM_001164675.2); short protein forms P93R.
Identifiers: ClinVar variation 1484205 (VCV001484205.5), dbSNP rs1311103815, ClinGen allele CA351793436.
Genomic context (GRCh38, chr3:4,453,042, plus strand): 5'-TCCCCATCCTGCTTTATCTGAGGATCATCTGTGCCCATTGTAAATACTCCAGCAGGGATG[G>C]GGACCATCTACAATGAAAGGTGAAACACAGGAAGTCATGCATCACAGCCAAGGTGTACCT-3'
Protein context (NP_877437.2, residues 83-103): ERQLAHSKMV[Pro93Arg]IPAGVFTMGT

ClinVar aggregate classification (germline): Uncertain significance (1 of 4 stars; one submission).

Conditions:
Multiple sulfatase deficiency (MSD). Also called: Mucosulfatidosis; Multiple Sulfatase Deficiency Disease; Sulfatidosis, Juvenile, Austin Type. Identifiers: Orphanet 585, MedGen C0268263, MONDO:0010088, OMIM 272200.

Allele frequency attached by ClinVar (database versions not stated): gnomAD exomes below 0.00001; TOPMed below 0.00001.
gnomAD v4.1: 2 of 1,612,770 alleles (0.00012%); highest among the groups gnomAD compares: Non-Finnish European, 0.00017%; no homozygotes.

Submission:

Labcorp Genetics (formerly Invitae), Labcorp
Classification: Uncertain significance for Multiple sulfatase deficiency. Last evaluated: 2021-09-24. Review status: criteria provided, single submitter. Criteria: Invitae Variant Classification Sherloc (09022015). Collection method: clinical testing. Allele origin: germline.
Comment: This sequence change replaces proline with arginine at codon 93 of the SUMF1 protein (p.Pro93Arg). The proline residue is weakly conserved and there is a moderate physicochemical difference between proline and arginine. This variant is not present in population databases (ExAC no frequency). This variant has not been reported in the literature in individuals with SUMF1-related conditions. Algorithms developed to predict the effect of missense changes on protein structure and function output the following: SIFT: "Tolerated"; PolyPhen-2: "Benign"; Align-GVGD: "Class C0". The arginine amino acid residue is found in multiple mammalian species, suggesting that this missense change does not adversely affect protein function. These predictions have not been confirmed by published functional studies and their clinical significance is uncertain. In summary, the available evidence is currently insufficient to determine the role of this variant in disease. Therefore, it has been classified as a Variant of Uncertain Significance.